The following is an entry in ClinVar:

ClinVar aggregate classification (germline): Uncertain significance (1 of 4 stars; one submission).

Conditions:
Deafness-lymphedema-leukemia syndrome. Also called: Lymphedema, primary, with myelodysplasia; Emberger syndrome. Identifiers: Orphanet 3226, MedGen C3279664, MONDO:0013540, OMIM 614038.
Monocytopenia with susceptibility to infections. Also called: MONOCYTOPENIA AND MYCOBACTERIAL INFECTION SYNDROME; MONOCYTOPENIA WITH SUSCEPTIBILITY TO MYCOBACTERIAL, FUNGAL, AND PAPILLOMAVIRUS INFECTIONS AND MYELODYSPLASIA; COMBINED IMMUNODEFICIENCY WITH SUSCEPTIBILITY TO MYCOBACTERIAL, VIRAL, AND FUNGAL INFECTIONS; Dendritic cell, monocyte, B lymphocyte, and natural killer lymphocyte deficiency; GATA2 DEFICIENCY; IMMUNODEFICIENCY 21. Identifiers: Orphanet 228423, MedGen C3280030, MONDO:0013607, OMIM 614172.

Submission:

Labcorp Genetics (formerly Invitae), Labcorp
Classification: Uncertain significance for Monocytopenia with susceptibility to infections; Deafness-lymphedema-leukemia syndrome. Last evaluated: 2020-04-14. Review status: criteria provided, single submitter. Criteria: Invitae Variant Classification Sherloc (09022015). Collection method: clinical testing. Allele origin: germline.
Comment: This variant has not been reported in the literature in individuals with GATA2-related conditions. In summary, the available evidence is currently insufficient to determine the role of this variant in disease. Therefore, it has been classified as a Variant of Uncertain Significance. Experimental studies and prediction algorithms are not available or were not evaluated, and the functional significance of this variant is currently unknown. This variant is a gross deletion of the genomic region encompassing exon(s) 3-6 of the GATA2 gene. The 5' boundary is likely confined to intron 2. The 3' end of this event is unknown as it extends through the termination codon beyond the assayed region for this gene and may encompass additional genes. While this deletion is not anticipated to result in nonsense mediated decay, it is expected to create a truncated protein product or disrupt mRNA translation.

NC_000003.11:g.(?_128198104)_(128205221_?)dup

Gene: GATA2 (GATA binding protein 2; minus strand). Cytogenetic location: 3q21.3.
Variant type: Duplication.
Identifiers: ClinVar variation 1037961 (VCV001037961.5).